The following is an entry in ClinVar:

ClinVar aggregate classification (germline): Uncertain significance (1 of 4 stars; one submission).

Submission:

Mayo Clinic Laboratories, Mayo Clinic
Classification: Uncertain significance. Last evaluated: 2024-08-05. Review status: criteria provided, single submitter. Criteria: ACMG Guidelines, 2015. Collection method: clinical testing. Allele origin: germline. Observed: 1 variant allele.
Comment: PP2, PM1, PM2

NM_001385012.1(NBEA):c.4082A>G (p.His1361Arg)

Gene: NBEA (neurobeachin; plus strand). Cytogenetic location: 13q13.3.
Variant type: single nucleotide variant.
Coding change: c.4082A>G on transcript NM_001385012.1 (MANE Select); coding-DNA position 4082, A replaced by G.
Protein change: p.His1361Arg; replaces histidine 1361 with arginine.
Molecular consequence: missense variant.
Genome position (GRCh38, 1-based): chr13:35,164,358, A>G. VCF-style: chr13-35164358-A-G. GRCh37 (hg19) VCF-style: chr13-35738495-A-G.
Other names: p.His1361Arg; c.4082A>G, p.His1361Arg (NM_001379245.1, NM_015678.5); short protein forms H1361R.
Identifiers: ClinVar variation 3380148 (VCV003380148.1).